The following is an entry in ClinVar:

ClinVar aggregate classification (germline): Likely pathogenic (1 of 4 stars; one submission).

Conditions:
LAMA2-related muscular dystrophy (LAMA2-RD). Also called: Laminin alpha 2-related dystrophy. Identifiers: MedGen C5679788, MONDO:0100228.

Submission:

Myriad Genetics, Inc.
Classification: Likely pathogenic for LAMA2-related muscular dystrophy. Last evaluated: 2019-12-29. Review status: criteria provided, single submitter. Criteria: Myriad Autosomal Dominant, Autosomal Recessive and X-Linked Classification Criteria (2023). Collection method: clinical testing. Allele origin: unknown.
Comment: NM_000426.3(LAMA2):c.3123T>A(C1041*) is expected to be pathogenic in the context of LAMA2-related muscular dystrophy. This variant is predicted to lead to an abnormal or absent protein product due to the creation of a premature termination codon in LAMA2, a gene where loss-of-function variants are known to be pathogenic. Please note: this variant was assessed in the context of healthy population screening.

NM_000426.4(LAMA2):c.3123T>A (p.Cys1041Ter)

Gene: LAMA2 (laminin subunit alpha 2; plus strand). Cytogenetic location: 6q22.33.
Variant type: single nucleotide variant.
Coding change: c.3123T>A on transcript NM_000426.4 (MANE Select); coding-DNA position 3123, T replaced by A.
Protein change: p.Cys1041Ter; replaces cysteine 1041 with a stop codon.
Molecular consequence: nonsense.
Genome position (GRCh38, 1-based): chr6:129,300,821, T>A. VCF-style: chr6-129300821-T-A. GRCh37 (hg19) VCF-style: chr6-129621966-T-A.
Other names: c.3123T>A, p.Cys1041Ter (NM_001079823.2); short protein forms C1041*.
Identifiers: ClinVar variation 983636 (VCV000983636.4), dbSNP rs1773502803, ClinGen allele CA365611496.
Genomic context (GRCh38, chr6:129,300,821, plus strand): 5'-TAATTGTGACCCAAAGACTGGGCGATGCATTTGCCCTCCCAATACCATTGGAGAGAAATG[T>A]TCTAAATGTGCACCCAATACCTGGGGCCACAGCATTACCACTGGTTGTAAGGTGAGTGAA-3'